The following is an entry in ClinVar:

ClinVar aggregate classification (germline): Conflicting classifications of pathogenicity. Review status: criteria provided, conflicting classifications (1 of 4 stars). 4 submissions from 4 submitters: Uncertain significance (3); Likely benign (1). Last evaluated 2025-01-08.

Conditions:
Inborn genetic diseases. Identifiers: MedGen C0950123, MeSH D030342.
Jalili syndrome. Also called: CONE-ROD DYSTROPHY AND AMELOGENESIS IMPERFECTA. Identifiers: Orphanet 1873, MedGen C3495589, MONDO:0009007, OMIM 217080.

Allele frequency attached by ClinVar (database versions not stated): 1000 Genomes Project 30x 0.00016; 1000 Genomes Project 0.00020; ExAC 0.00021; gnomAD 0.00024 and 0.00025; TOPMed 0.00024; gnomAD exomes 0.00028 and 0.00042; ESP Exome Variant Server 0.00054.
gnomAD v4.1: 661 of 1,613,830 alleles (0.041%); highest among the groups gnomAD compares: Non-Finnish European, 0.051%; 1 homozygote.

Submissions (4):

Ambry Genetics
Classification: Uncertain significance for Inborn genetic diseases. Last evaluated: 2025-01-08. Review status: criteria provided, single submitter. Criteria: Ambry Variant Classification Scheme 2023. Collection method: clinical testing. Allele origin: germline.

Blueprint Genetics
Classification: Likely benign. Last evaluated: 2024-11-18. Review status: criteria provided, single submitter. Criteria: ACMG Guidelines, 2015. Collection method: clinical testing. Allele origin: germline.

Labcorp Genetics (formerly Invitae), Labcorp
Classification: Uncertain significance. Last evaluated: 2022-10-13. Review status: criteria provided, single submitter. Criteria: Invitae Variant Classification Sherloc (09022015). Collection method: clinical testing. Allele origin: germline.
Comment: This sequence change replaces isoleucine, which is neutral and non-polar, with valine, which is neutral and non-polar, at codon 186 of the CNNM4 protein (p.Ile186Val). This variant is present in population databases (rs146760430, gnomAD 0.05%). This variant has not been reported in the literature in individuals affected with CNNM4-related conditions. ClinVar contains an entry for this variant (Variation ID: 337582). Advanced modeling of protein sequence and biophysical properties (such as structural, functional, and spatial information, amino acid conservation, physicochemical variation, residue mobility, and thermodynamic stability) performed at Invitae indicates that this missense variant is not expected to disrupt CNNM4 protein function. In summary, the available evidence is currently insufficient to determine the role of this variant in disease. Therefore, it has been classified as a Variant of Uncertain Significance.

Illumina Laboratory Services, Illumina
Classification: Uncertain significance for Jalili syndrome. Last evaluated: 2018-01-13. Review status: criteria provided, single submitter. Criteria: ICSL Variant Classification Criteria 13 December 2019. Collection method: clinical testing. Allele origin: germline.

NM_020184.4(CNNM4):c.556A>G (p.Ile186Val)

Gene: CNNM4 (cyclin and CBS domain divalent metal cation transport mediator 4; plus strand). Cytogenetic location: 2q11.2.
Variant type: single nucleotide variant.
Coding change: c.556A>G on transcript NM_020184.4 (MANE Select); coding-DNA position 556, A replaced by G.
Protein change: p.Ile186Val; replaces isoleucine 186 with valine.
Molecular consequence: missense variant.
Genome position (GRCh38, 1-based): chr2:96,761,555, A>G. VCF-style: chr2-96761555-A-G. GRCh37 (hg19) VCF-style: chr2-97427292-A-G.
Other names: short protein forms I186V.
Identifiers: ClinVar variation 337582 (VCV000337582.11), dbSNP rs146760430, ClinGen allele CA1783230.